The following is an entry in ClinVar:

ClinVar aggregate classification (germline): Uncertain significance (1 of 4 stars; one submission).

Allele frequency attached by ClinVar (database versions not stated): TOPMed below 0.00001.

Submission:

Labcorp Genetics (formerly Invitae), Labcorp
Classification: Uncertain significance. Last evaluated: 2022-02-17. Review status: criteria provided, single submitter. Criteria: Invitae Variant Classification Sherloc (09022015). Collection method: clinical testing. Allele origin: germline.
Comment: This sequence change replaces tyrosine, which is neutral and polar, with histidine, which is basic and polar, at codon 2846 of the HMCN1 protein (p.Tyr2846His). This variant is not present in population databases (gnomAD no frequency). This variant has not been reported in the literature in individuals affected with HMCN1-related conditions. Algorithms developed to predict the effect of missense changes on protein structure and function (SIFT, PolyPhen-2, Align-GVGD) all suggest that this variant is likely to be disruptive. In summary, the available evidence is currently insufficient to determine the role of this variant in disease. Therefore, it has been classified as a Variant of Uncertain Significance.

NM_031935.3(HMCN1):c.8536T>C (p.Tyr2846His)

Gene: HMCN1 (hemicentin 1; plus strand). Cytogenetic location: 1q31.1.
Variant type: single nucleotide variant.
Coding change: c.8536T>C on transcript NM_031935.3 (MANE Select); coding-DNA position 8536, T replaced by C.
Protein change: p.Tyr2846His; replaces tyrosine 2846 with histidine.
Molecular consequence: missense variant.
Genome position (GRCh38, 1-based): chr1:186,078,157, T>C. VCF-style: chr1-186078157-T-C. GRCh37 (hg19) VCF-style: chr1-186047289-T-C.
Other names: short protein forms Y2846H.
Identifiers: ClinVar variation 1952162 (VCV001952162.5), dbSNP rs1658942373, ClinGen allele CA343913648.
Genomic context (GRCh38, chr1:186,078,157, plus strand): 5'-TTATTTTCAGGAGGGCGAGTGTTGCAGATTCCTCGGGCTAAAGTAGAAGATGCTGGGAGA[T>C]ACACATGTGTGGCTGTGAATGAGGCTGGAGAAGATTCCCTTCAATATGATGTCCGTGTAC-3'
Protein context (NP_114141.2, residues 2836-2856): PRAKVEDAGR[Tyr2846His]TCVAVNEAGE